The following is an entry in ClinVar:

NM_001366900.1(TTC21A):c.1256C>T (p.Ala419Val)

Gene: TTC21A (tetratricopeptide repeat domain 21A; plus strand). Cytogenetic location: 3p22.2.
Variant type: single nucleotide variant.
Coding change: c.1256C>T on transcript NM_001366900.1 (MANE Select); coding-DNA position 1256, C replaced by T.
Protein change: p.Ala419Val; replaces alanine 419 with valine.
Molecular consequence: missense variant. On other transcripts: non-coding transcript variant (3).
Genome position (GRCh38, 1-based): chr3:39,125,396, C>T. VCF-style: chr3-39125396-C-T. GRCh37 (hg19) VCF-style: chr3-39166887-C-T.
Other names: c.1133C>T, p.Ala378Val (NM_001105513.3); c.1280C>T, p.Ala427Val (NM_001366899.1, NM_145755.3); short protein forms A378V, A419V, A427V.
Identifiers: ClinVar variation 3043509 (VCV003043509.2), dbSNP rs74824603, ClinGen allele CA2324336.

ClinVar aggregate classification (germline): Benign (0 of 4 stars; one submission).

Conditions:
TTC21A-related disorder. Also called: TTC21A-related condition.

Allele frequency attached by ClinVar (database versions not stated): 1000 Genomes Project 0.00240; 1000 Genomes Project 30x 0.00281.
gnomAD v4.1: 725 of 1,614,148 alleles (0.045%); highest among the groups gnomAD compares: African/African-American, 0.81%; 3 homozygotes.

Submission:

PreventionGenetics, part of Exact Sciences
Classification: Benign for TTC21A-related condition. Last evaluated: 2019-12-23. Review status: no assertion criteria provided. Collection method: clinical testing. Allele origin: germline.
Comment: This variant is classified as benign based on ACMG/AMP sequence variant interpretation guidelines (Richards et al. 2015 PMID: 25741868, with internal and published modifications).